The following is an entry in ClinVar:

ClinVar aggregate classification (germline): Uncertain significance. Review status: criteria provided, multiple submitters, no conflicts (2 of 4 stars). 2 submissions from 2 submitters: Uncertain significance (2). Last evaluated 2023-06-15.

Conditions:
Familial cancer of breast. Also called: BREAST CANCER, FAMILIAL; Hereditary breast cancer; hereditary breast carcinoma. Identifiers: Orphanet 227535, MedGen C0346153, MONDO:0016419, OMIM 114480. Disease mechanism: loss of function.
Hereditary cancer-predisposing syndrome. Also called: Neoplastic Syndromes, Hereditary; Tumor predisposition; Hereditary Cancer Syndrome; Hereditary neoplastic syndrome. Identifiers: Orphanet 140162, MedGen C0027672, MeSH D009386, MONDO:0015356.

Submissions (2):

Baylor Genetics
Classification: Uncertain significance for Familial cancer of breast. Last evaluated: 2023-06-15. Review status: criteria provided, single submitter. Criteria: ACMG Guidelines, 2015. Collection method: clinical testing. Allele origin: unknown.

Ambry Genetics
Classification: Uncertain significance for Hereditary cancer-predisposing syndrome. Last evaluated: 2022-03-26. Review status: criteria provided, single submitter. Criteria: Ambry Variant Classification Scheme 2023. Collection method: clinical testing. Allele origin: germline.
Comment: The p.K748E variant (also known as c.2242A>G), located in coding exon 13 of the ATM gene, results from an A to G substitution at nucleotide position 2242. The lysine at codon 748 is replaced by glutamic acid, an amino acid with similar properties. This amino acid position is conserved. In addition, the in silico prediction for this alteration is inconclusive. Since supporting evidence is limited at this time, the clinical significance of this alteration remains unclear.

NM_000051.4(ATM):c.2242A>G (p.Lys748Glu)

Gene: ATM (ATM serine/threonine kinase; plus strand). Cytogenetic location: 11q22.3.
Variant type: single nucleotide variant.
Coding change: c.2242A>G on transcript NM_000051.4 (MANE Select); coding-DNA position 2242, A replaced by G.
Protein change: p.Lys748Glu; replaces lysine 748 with glutamic acid.
Molecular consequence: missense variant.
Genome position (GRCh38, 1-based): chr11:108,256,332, A>G. VCF-style: chr11-108256332-A-G. GRCh37 (hg19) VCF-style: chr11-108127059-A-G.
Other names: c.2242A>G, p.Lys748Glu (NM_001351834.2); short protein forms K748E.
Identifiers: ClinVar variation 1788294 (VCV001788294.3), dbSNP rs2135394741, ClinGen allele CA382539259.